The following is an entry in ClinVar:

ClinVar aggregate classification (germline): Likely benign. Review status: criteria provided, single submitter (1 of 4 stars). 2 submissions from 2 submitters: Likely benign (1). 1 of the submissions does not count toward it. Last evaluated 2026-01-11.

Conditions:
DNAH11-related disorder. Also called: DNAH11-related condition.
Primary ciliary dyskinesia. Also called: Ciliary dyskinesia. Identifiers: Orphanet 244, MedGen C0008780, MONDO:0016575, HP:0012265.

Allele frequency attached by ClinVar (database versions not stated): TOPMed below 0.00001; gnomAD 0.00001.
gnomAD v4.1: 8 of 1,612,818 alleles (0.0005%); highest among the groups gnomAD compares: Non-Finnish European, 0.00068%; no homozygotes.

Submissions (2):

Labcorp Genetics (formerly Invitae), Labcorp
Classification: Likely benign for Primary ciliary dyskinesia. Last evaluated: 2026-01-11. Review status: criteria provided, single submitter. Criteria: Invitae Variant Classification Sherloc (09022015). Collection method: clinical testing. Allele origin: germline.

PreventionGenetics, part of Exact Sciences
Classification: Uncertain significance for DNAH11-related condition. Last evaluated: 2023-12-26. Review status: no assertion criteria provided. Collection method: clinical testing. Allele origin: germline. Not counted in ClinVar's aggregate classification.
Comment: The DNAH11 c.9493A>G variant is predicted to result in the amino acid substitution p.Ile3165Val. To our knowledge, this variant has not been reported in the literature. This variant is reported in 0.00089% of alleles in individuals of European (Non-Finnish) descent in gnomAD. At this time, the clinical significance of this variant is uncertain due to the absence of conclusive functional and genetic evidence.

NM_001277115.2(DNAH11):c.9493A>G (p.Ile3165Val)

Gene: DNAH11 (dynein axonemal heavy chain 11; plus strand). Cytogenetic location: 7p15.3.
Variant type: single nucleotide variant.
Coding change: c.9493A>G on transcript NM_001277115.2 (MANE Select); coding-DNA position 9493, A replaced by G.
Protein change: p.Ile3165Val; replaces isoleucine 3165 with valine.
Molecular consequence: missense variant.
Genome position (GRCh38, 1-based): chr7:21,784,436, A>G. VCF-style: chr7-21784436-A-G. GRCh37 (hg19) VCF-style: chr7-21824054-A-G.
Other names: c.9493A>G (NM_001277115.1); c.9514A>G, p.Ile3172Val (NM_003777.3); short protein forms I3165V, I3172V.
Identifiers: ClinVar variation 2724251 (VCV002724251.5), dbSNP rs1278430892, ClinGen allele CA366938954.